The following is an entry in ClinVar:

NM_000543.5(SMPD1):c.1076C>T (p.Ala359Val)

Gene: SMPD1 (sphingomyelin phosphodiesterase 1; plus strand). Cytogenetic location: 11p15.4.
Variant type: single nucleotide variant.
Coding change: c.1076C>T on transcript NM_000543.5 (MANE Select); coding-DNA position 1076, C replaced by T.
Protein change: p.Ala359Val; replaces alanine 359 with valine.
Molecular consequence: missense variant. On other transcripts: non-coding transcript variant (1).
Genome position (GRCh38, 1-based): chr11:6,392,141, C>T. VCF-style: chr11-6392141-C-T. GRCh37 (hg19) VCF-style: chr11-6413371-C-T.
Other names: c.1073C>T, p.Ala358Val (NM_001007593.3); c.1076C>T, p.Ala359Val (NM_001318087.2, NM_001365135.2); c.115C>T, p.Pro39Ser (NM_001318088.2); short protein forms A358V, P39S, A359V.
Identifiers: ClinVar variation 1501459 (VCV001501459.8), dbSNP rs797044800, ClinGen allele CA379371874.

ClinVar aggregate classification (germline): Likely pathogenic (1 of 4 stars; one submission).

Conditions:
Niemann-Pick disease, type B. Also called: Chronic Visceral ASMD (Niemann-Pick Disease Type B; NPD-B). Identifiers: Orphanet 77293, MedGen C0268243, MONDO:0011871, OMIM 607616. Disease mechanism: loss of function.
Niemann-Pick disease, type A. Also called: Infantile Neurovisceral ASMD (Niemann-Pick Disease Type A; NPD-A); SPHINGOMYELIN LIPIDOSIS; SPHINGOMYELINASE DEFICIENCY. Identifiers: Orphanet 77292, MedGen C0268242, MONDO:0009756, OMIM 257200. Disease mechanism: loss of function.

Submission:

Labcorp Genetics (formerly Invitae), Labcorp
Classification: Likely pathogenic for Niemann-Pick disease, type B; Niemann-Pick disease, type A. Last evaluated: 2023-11-13. Review status: criteria provided, single submitter. Criteria: Invitae Variant Classification Sherloc (09022015). Collection method: clinical testing. Allele origin: germline.
Comment: This sequence change replaces alanine, which is neutral and non-polar, with valine, which is neutral and non-polar, at codon 359 of the SMPD1 protein (p.Ala359Val). This variant is not present in population databases (gnomAD no frequency). This missense change has been observed in individual(s) with Niemann-Pick disease (PMID: 19411774). This variant is also known as c.1070C>T (p.A357V). ClinVar contains an entry for this variant (Variation ID: 1501459). Advanced modeling of protein sequence and biophysical properties (such as structural, functional, and spatial information, amino acid conservation, physicochemical variation, residue mobility, and thermodynamic stability) performed at Invitae indicates that this missense variant is expected to disrupt SMPD1 protein function with a positive predictive value of 80%. This variant disrupts the p.Ala359 amino acid residue in SMPD1. Other variant(s) that disrupt this residue have been determined to be pathogenic (PMID: 25920558, 27659707). This suggests that this residue is clinically significant, and that variants that disrupt this residue are likely to be disease-causing. In summary, the currently available evidence indicates that the variant is pathogenic, but additional data are needed to prove that conclusively. Therefore, this variant has been classified as Likely Pathogenic.

Literature cited by the submitters: PubMed 19411774; PubMed 25920558; PubMed 27659707.